The following is an entry in ClinVar:

NM_001129891.3(INSYN2B):c.903T>C (p.Cys301=)

Genes: DOCK2 (dedicator of cytokinesis 2; plus strand), INSYN2B (inhibitory synaptic factor family member 2B; minus strand). Cytogenetic location: 5q35.1.
Variant type: single nucleotide variant.
Coding change: c.903T>C on transcript NM_001129891.3 (MANE Select); coding-DNA position 903, T replaced by C.
Protein change: p.Cys301=; no amino-acid change (cysteine 301 retained).
Molecular consequence: synonymous variant. On other transcripts: intron variant (1).
Genome position (GRCh38, 1-based): chr5:169,882,996, A>G on the plus strand (T>C on the coding strand, the complement: INSYN2B is on the minus strand). VCF-style: chr5-169882996-A-G. GRCh37 (hg19) VCF-style: chr5-169310000-A-G.
Other names: c.903T>C, p.Cys301= (NM_001346304.2); c.2799+42144A>G (NM_004946.3).
Identifiers: ClinVar variation 5038724 (VCV005038724.1).

ClinVar aggregate classification (germline): Likely benign (1 of 4 stars; one submission).

gnomAD v4.1: 2,376 of 1,551,646 alleles (0.15%); highest among the groups gnomAD compares: Non-Finnish European, 0.2%; 3 homozygotes.

Submission:

CeGaT Center for Human Genetics Tuebingen
Classification: Likely benign. Last evaluated: 2026-07-01. Review status: criteria provided, single submitter. Criteria: CeGaT Center For Human Genetics Tuebingen Variant Classification Criteria Version 2. Collection method: clinical testing. Allele origin: germline. Affected: yes. Observed: 1 variant allele.
Comment: INSYN2B: BP4, BP7